The following is an entry in ClinVar:

NM_001142800.2(EYS):c.6613C>T (p.Leu2205Phe)

Gene: EYS (eyes shut homolog; minus strand). Cytogenetic location: 6q12.
Variant type: single nucleotide variant.
Coding change: c.6613C>T on transcript NM_001142800.2 (MANE Select); coding-DNA position 6613, C replaced by T.
Protein change: p.Leu2205Phe; replaces leucine 2205 with phenylalanine.
Molecular consequence: missense variant.
Genome position (GRCh38, 1-based): chr6:64,066,450, G>A on the plus strand (C>T on the coding strand, the complement: EYS is on the minus strand). VCF-style: chr6-64066450-G-A. GRCh37 (hg19) VCF-style: chr6-64776343-G-A.
Other names: c.6613C>T, p.Leu2205Phe (NM_001292009.2); short protein forms L2205F.
Identifiers: ClinVar variation 2157298 (VCV002157298.1), dbSNP rs1290357542, ClinGen allele CA364389847.
Genomic context (GRCh38, chr6:64,066,450, plus strand): 5'-CAGTCAAAATATTTTGAGAATTTCCACACCCATATTTAACTGATGGCCTTCCTTCCACAA[G>A]AAATAAATGAAGAAACTGCTTTCCACAATTATTCCCATTACCTTTAAGAAAAAAAGAATA-3'
Protein context (NP_001136272.1, residues 2195-2215): NCGKQFLHLF[Leu2205Phe]VEGRPSVKYG

ClinVar aggregate classification (germline): Uncertain significance (1 of 4 stars; one submission).

Allele frequency attached by ClinVar (database versions not stated): TOPMed 0.00001; gnomAD exomes 0.00002.
gnomAD v4.1: 27 of 1,547,272 alleles (0.0017%); highest among the groups gnomAD compares: Non-Finnish European, 0.0024%; no homozygotes.

Submission:

Labcorp Genetics (formerly Invitae), Labcorp
Classification: Uncertain significance. Last evaluated: 2022-02-20. Review status: criteria provided, single submitter. Criteria: Invitae Variant Classification Sherloc (09022015). Collection method: clinical testing. Allele origin: germline.
Comment: This sequence change replaces leucine, which is neutral and non-polar, with phenylalanine, which is neutral and non-polar, at codon 2205 of the EYS protein (p.Leu2205Phe). This variant is not present in population databases (gnomAD no frequency). This variant has not been reported in the literature in individuals affected with EYS-related conditions. Algorithms developed to predict the effect of missense changes on protein structure and function output the following: SIFT: "Deleterious"; PolyPhen-2: "Benign"; Align-GVGD: "Class C0". The phenylalanine amino acid residue is found in multiple mammalian species, which suggests that this missense change does not adversely affect protein function. In summary, the available evidence is currently insufficient to determine the role of this variant in disease. Therefore, it has been classified as a Variant of Uncertain Significance.